The following is an entry in ClinVar:

ClinVar aggregate classification (germline): Pathogenic. Review status: criteria provided, single submitter (1 of 4 stars). 3 submissions from 3 submitters: Pathogenic (1). 2 of the submissions do not count toward it. Last evaluated 2023-12-26.

Conditions:
Bardet-Biedl syndrome (BBS). Identifiers: Orphanet 110, MedGen C0752166, MONDO:0015229.
Progressive cone dystrophy (without rod involvement). Identifiers: MedGen C0271092.
McKusick-Kaufman syndrome (MKKS). Also called: HYDROMETROCOLPOS SYNDROME; HYDROMETROCOLPOS, POSTAXIAL POLYDACTYLY, AND CONGENITAL HEART MALFORMATION. Identifiers: Orphanet 2473, MedGen C0948368, MONDO:0009367, OMIM 236700.

Allele frequency attached by ClinVar (database versions not stated): gnomAD exomes below 0.00001 and 0.00001; gnomAD 0.00001.

Submissions (3):

Labcorp Genetics (formerly Invitae), Labcorp
Classification: Pathogenic for McKusick-Kaufman syndrome; Bardet-Biedl syndrome. Last evaluated: 2023-12-26. Review status: criteria provided, single submitter. Criteria: Invitae Variant Classification Sherloc (09022015). Collection method: clinical testing. Allele origin: germline.
Comment: This sequence change creates a premature translational stop signal (p.Thr415*) in the MKKS gene. While this is not anticipated to result in nonsense mediated decay, it is expected to disrupt the last 156 amino acid(s) of the MKKS protein. This variant is present in population databases (no rsID available, gnomAD 0.0009%). This premature translational stop signal has been observed in individual(s) with clinical features of Bardet-Biedl syndrome and/or cone rod dystrophy (PMID: 30614526, 30718709). ClinVar contains an entry for this variant (Variation ID: 585164). This variant disrupts a region of the MKKS protein in which other variant(s) (p.Ser479*) have been determined to be pathogenic (PMID: 15770229, 33138063). This suggests that this is a clinically significant region of the protein, and that variants that disrupt it are likely to be disease-causing. For these reasons, this variant has been classified as Pathogenic.

Laboratory of Medical Genetics (UMR_S 1112), INSERM/Strasbourg University
Classification: Pathogenic for Bardet-Biedl syndrome. Last evaluated: 2018-09-15. Review status: no assertion criteria provided. Collection method: provider interpretation. Allele origin: germline. Affected: yes. Study: French fetal BBS cohort. Not counted in ClinVar's aggregate classification.

Department of Clinical Genetics, Copenhagen University Hospital, Rigshospitalet
Classification: Likely pathogenic for Progressive cone dystrophy (without rod involvement). Last evaluated: 2018-04-01. Review status: no assertion criteria provided. Collection method: research. Allele origin: unknown. Affected: yes. Study: VeluxRD. Not counted in ClinVar's aggregate classification.

Literature cited by the submitters: PubMed 30614526 (cited by Labcorp Genetics (formerly Invitae), Labcorp and Laboratory of Medical Genetics (UMR_S 1112), INSERM/Strasbourg University); PubMed 30718709 (cited by Labcorp Genetics (formerly Invitae), Labcorp and Department of Clinical Genetics, Copenhagen University Hospital, Rigshospitalet); PubMed 15770229 (cited by Labcorp Genetics (formerly Invitae), Labcorp); PubMed 33138063 (cited by Labcorp Genetics (formerly Invitae), Labcorp).

NM_170784.3(MKKS):c.1239_1242dup (p.Thr415Ter)

Gene: MKKS (MKKS centrosomal shuttling protein; minus strand). Cytogenetic location: 20p12.2.
Variant type: Duplication.
Coding change: c.1239_1242dup on transcript NM_170784.3 (MANE Select); coding-DNA positions 1239 to 1242, 4 bases duplicated (TGAA; older notation c.1239_1242dupTGAA).
Protein change: p.Thr415Ter; replaces threonine 415 with a stop codon.
Molecular consequence: nonsense. On other transcripts: non-coding transcript variant (1).
Genome position (GRCh38, 1-based): chr20:10,407,646-10,407,649, TTCA duplicated on the plus strand (TGAA on the coding strand, the reverse complement: MKKS is on the minus strand). VCF-style (leftmost placement, unchanged base first): chr20-10407645-T-TTTCA. GRCh37 (hg19) VCF-style: chr20-10388293-T-TTTCA.
Other names: c.1239_1242dup, p.Thr415Ter (NM_018848.3); short protein forms T415*.
Identifiers: ClinVar variation 585164 (VCV000585164.7), dbSNP rs1306231185, ClinGen allele CA634447337.